The following is an entry in ClinVar:

NM_000548.5(TSC2):c.5005G>T (p.Val1669Phe)

Gene: TSC2 (TSC complex subunit 2; plus strand). Cytogenetic location: 16p13.3.
Variant type: single nucleotide variant.
Coding change: c.5005G>T on transcript NM_000548.5 (MANE Select); coding-DNA position 5005, G replaced by T.
Protein change: p.Val1669Phe; replaces valine 1669 with phenylalanine.
Molecular consequence: missense variant. On other transcripts: non-coding transcript variant (5).
Genome position (GRCh38, 1-based): chr16:2,087,878, G>T. VCF-style: chr16-2087878-G-T. GRCh37 (hg19) VCF-style: chr16-2137879-G-T.
Other names: p.Val1669Phe; c.4273G>T, p.Val1425Phe (NM_001318831.2); c.4837G>T, p.Val1613Phe (NM_001318832.2); c.4807G>T, p.Val1603Phe (NM_001363528.2); c.4873G>T, p.Val1625Phe (NM_001370404.1); c.4876G>T, p.Val1626Phe (NM_001370405.1, NM_021055.3); c.5002G>T, p.Val1668Phe (NM_001406663.1); c.4933G>T, p.Val1645Phe (NM_001406664.1); and 27 more; short protein forms V1177F, V1403F, V1445F, V1597F, V1609F, V1643F, V1154F, V1178F.
Identifiers: ClinVar variation 2564742 (VCV002564742.4), dbSNP rs2091047035, ClinGen allele CA394311104.

ClinVar aggregate classification (germline): Uncertain significance. Review status: criteria provided, multiple submitters, no conflicts (2 of 4 stars). 2 submissions from 2 submitters: Uncertain significance (2). Last evaluated 2026-03-23.

Conditions:
Hereditary cancer-predisposing syndrome. Also called: Neoplastic Syndromes, Hereditary; Tumor predisposition; Hereditary Cancer Syndrome; Hereditary neoplastic syndrome. Identifiers: Orphanet 140162, MedGen C0027672, MeSH D009386, MONDO:0015356.

Submissions (2):

Ambry Genetics
Classification: Uncertain significance for Hereditary cancer-predisposing syndrome. Last evaluated: 2026-03-23. Review status: criteria provided, single submitter. Criteria: Ambry Variant Classification Scheme 2023. Collection method: clinical testing. Allele origin: germline.
Comment: The p.V1669F variant (also known as c.5005G>T), located in coding exon 38 of the TSC2 gene, results from a G to T substitution at nucleotide position 5005. The valine at codon 1669 is replaced by phenylalanine, an amino acid with highly similar properties. This amino acid position is conserved. In addition, this alteration is predicted to be deleterious by in silico analysis. Since supporting evidence is limited at this time, the clinical significance of this alteration remains unclear.

Mayo Clinic Laboratories, Mayo Clinic
Classification: Uncertain significance. Last evaluated: 2025-11-23. Review status: criteria provided, single submitter. Criteria: ACMG Guidelines, 2015. Collection method: clinical testing. Allele origin: germline. Observed: 1 variant allele.
Comment: PP3, PM2_supporting